The following is an entry in ClinVar:

ClinVar aggregate classification (germline): Uncertain significance (1 of 4 stars; one submission).

Allele frequency attached by ClinVar (database versions not stated): gnomAD exomes below 0.00001.
gnomAD v4.1: 2 of 1,608,946 alleles (0.00012%); highest among the groups gnomAD compares: Non-Finnish European, 0.00017%; no homozygotes.

Submission:

Labcorp Genetics (formerly Invitae), Labcorp
Classification: Uncertain significance. Last evaluated: 2024-10-23. Review status: criteria provided, single submitter. Criteria: Invitae Variant Classification Sherloc (09022015). Collection method: clinical testing. Allele origin: germline.
Comment: This sequence change replaces glycine, which is neutral and non-polar, with glutamic acid, which is acidic and polar, at codon 66 of the SAMD11 protein (p.Gly66Glu). This variant is not present in population databases (gnomAD no frequency). This variant has not been reported in the literature in individuals affected with SAMD11-related conditions. ClinVar contains an entry for this variant (Variation ID: 1993184). An algorithm developed to predict the effect of missense changes on protein structure and function (PolyPhen-2) suggests that this variant is likely to be disruptive. In summary, the available evidence is currently insufficient to determine the role of this variant in disease. Therefore, it has been classified as a Variant of Uncertain Significance.

NM_001385641.1(SAMD11):c.734G>A (p.Gly245Glu)

Gene: SAMD11 (sterile alpha motif domain containing 11; plus strand). Cytogenetic location: 1p36.33.
Variant type: single nucleotide variant.
Coding change: c.734G>A on transcript NM_001385641.1 (MANE Select); coding-DNA position 734, G replaced by A.
Protein change: p.Gly245Glu; replaces glycine 245 with glutamic acid.
Molecular consequence: missense variant.
Genome position (GRCh38, 1-based): chr1:930,279, G>A. VCF-style: chr1-930279-G-A. GRCh37 (hg19) VCF-style: chr1-865659-G-A.
Other names: c.734G>A, p.Gly245Glu (NM_001385640.1); c.197G>A, p.Gly66Glu (NM_152486.4); short protein forms G245E, G66E.
Identifiers: ClinVar variation 1993184 (VCV001993184.4), dbSNP rs2522624244, ClinGen allele CA337792128.